The following is an entry in ClinVar:

ClinVar aggregate classification (germline): Uncertain significance (1 of 4 stars; one submission).

Submission:

GeneDx
Classification: Uncertain significance. Last evaluated: 2024-11-11. Review status: criteria provided, single submitter. Criteria: GeneDx Variant Classification Process June 2021. Collection method: clinical testing. Allele origin: germline. Affected: yes.
Comment: Not observed at significant frequency in large population cohorts (gnomAD); In silico analysis supports that this missense variant has a deleterious effect on protein structure/function; Has not been previously published as pathogenic or benign to our knowledge

NM_000937.5(POLR2A):c.1094C>T (p.Thr365Ile)

Gene: POLR2A (RNA polymerase II subunit A; plus strand). Cytogenetic location: 17p13.1.
Variant type: single nucleotide variant.
Coding change: c.1094C>T on transcript NM_000937.5 (MANE Select); coding-DNA position 1094, C replaced by T.
Protein change: p.Thr365Ile; replaces threonine 365 with isoleucine.
Molecular consequence: missense variant.
Genome position (GRCh38, 1-based): chr17:7,497,762, C>T. VCF-style: chr17-7497762-C-T. GRCh37 (hg19) VCF-style: chr17-7401081-C-T.
Other names: short protein forms T365I.
Identifiers: ClinVar variation 3899203 (VCV003899203.1).